The following is an entry in ClinVar:

ClinVar aggregate classification (germline): Pathogenic/Likely pathogenic. Review status: criteria provided, multiple submitters, no conflicts (2 of 4 stars). 2 submissions from 2 submitters: Pathogenic (1); Likely pathogenic (1). Last evaluated 2026-06-23.

Conditions:
X-linked intellectual disability Cabezas type (MRXSC). Also called: CABEZAS SYNDROME; MENTAL RETARDATION, X-LINKED, SYNDROMIC 15; Intellectual developmental disorder, X-linked syndromic, Cabezas type. Identifiers: Orphanet 85289, Orphanet 85293, MedGen C1845861, MONDO:0010306, OMIM 300354.

Submissions (2):

Institute of Human Genetics, University of Leipzig Medical Center
Classification: Pathogenic for X-linked intellectual disability Cabezas type. Last evaluated: 2026-06-23. Review status: criteria provided, single submitter. Criteria: ACMG Guidelines, 2015. Collection method: clinical testing. Allele origin: unknown. Inheritance: Autosomal dominant inheritance. Affected: yes.
Comment: Criteria applied: PVS1,PS4_MOD,PM2

Greenwood Genetic Center Diagnostic Laboratories, Greenwood Genetic Center
Classification: Likely pathogenic for X-linked intellectual disability Cabezas type. Last evaluated: 2022-02-03. Review status: criteria provided, single submitter. Criteria: ACMG Guidelines, 2015. Collection method: clinical testing. Allele origin: germline. Affected: yes.
Comment: PS3, PS4_Supporting, PM2

NM_001079872.2(CUL4B):c.2439G>A (p.Thr813=)

Gene: CUL4B (cullin 4B; minus strand). Cytogenetic location: Xq24.
Variant type: single nucleotide variant.
Coding change: c.2439G>A on transcript NM_001079872.2 (MANE Select); coding-DNA position 2439, G replaced by A.
Protein change: p.Thr813=; no amino-acid change (threonine 813 retained).
Molecular consequence: synonymous variant.
Genome position (GRCh38, 1-based): chrX:120,532,422, C>T on the plus strand (G>A on the coding strand, the complement: CUL4B is on the minus strand). VCF-style: chrX-120532422-C-T. GRCh37 (hg19) VCF-style: chrX-119666277-C-T.
Other names: c.2454G>A, p.Thr818= (NM_001330624.2); c.1905G>A, p.Thr635= (NM_001369145.1); c.2493G>A, p.Thr831= (NM_003588.4).
Identifiers: ClinVar variation 1676570 (VCV001676570.4), dbSNP rs2147321510, ClinGen allele CA518223541.